The following is an entry in ClinVar:

ClinVar aggregate classification (germline): Likely pathogenic. Review status: criteria provided, multiple submitters, no conflicts (2 of 4 stars). 2 submissions from 2 submitters: Likely pathogenic (2). Last evaluated 2025-07-07.

Conditions:
Familial cancer of breast. Also called: BREAST CANCER, FAMILIAL; Hereditary breast cancer; hereditary breast carcinoma. Identifiers: Orphanet 227535, MedGen C0346153, MONDO:0016419, OMIM 114480. Disease mechanism: loss of function.
Hereditary cancer-predisposing syndrome. Also called: Neoplastic Syndromes, Hereditary; Tumor predisposition; Hereditary neoplastic syndrome; Hereditary Cancer Syndrome. Identifiers: Orphanet 140162, MedGen C0027672, MeSH D009386, MONDO:0015356.

Submissions (2):

Ambry Genetics
Classification: Likely pathogenic for Hereditary cancer-predisposing syndrome. Last evaluated: 2025-07-07. Review status: criteria provided, single submitter. Criteria: Ambry Variant Classification Scheme 2023. Collection method: clinical testing. Allele origin: germline.
Comment: The c.2125-16_2128del20ins12 variant results from a deletion of 20 nucleotides and insertion of 12 nucleotides at positions c.2125-16 to c.2128 and involves the canonical splice acceptor site before coding exon 13 of the ATM gene. The canonical splice acceptor site is highly conserved in available vertebrate species. In silico splice site analysis predicts that this alteration will weaken the native splice acceptor site and will result in the creation or strengthening of a novel splice acceptor site; however, the exact impact of this alteration on ATM splicing and function is currently unknown. This variant is considered to be rare based on population cohorts in the Genome Aggregation Database (gnomAD). Alterations that disrupt the canonical splice site are expected to cause aberrant splicing, resulting in an abnormal protein or a transcript that is subject to nonsense-mediated mRNA decay. As such, this alteration is classified as likely pathogenic.

Myriad Genetics, Inc.
Classification: Likely pathogenic for Familial cancer of breast. Last evaluated: 2024-01-17. Review status: criteria provided, single submitter. Criteria: Myriad Autosomal Dominant, Autosomal Recessive and X-Linked Classification Criteria (2023). Collection method: clinical testing. Allele origin: unknown.
Comment: This variant is considered likely pathogenic. This variant occurs within a consensus splice junction and is predicted to result in abnormal mRNA splicing of either an out-of-frame exon or an in-frame exon necessary for protein stability and/or normal function.

NM_000051.4(ATM):c.2125-16_2128delinsCAAATTTATATT

Gene: ATM (ATM serine/threonine kinase; plus strand). Cytogenetic location: 11q22.3.
Variant type: Indel.
Coding change: c.2125-16_2128delinsCAAATTTATATT on transcript NM_000051.4 (MANE Select); 16 bases into the intron before coding-DNA position 2125 through coding-DNA position 2128, TGTGGTTTACTTTAAGATTA replaced by CAAATTTATATT.
Molecular consequence: splice acceptor variant.
Genome position (GRCh38, 1-based): chr11:108,256,199-108,256,218, TGTGGTTTACTTTAAGATTA replaced by CAAATTTATATT. VCF-style: chr11-108256199-TGTGGTTTACTTTAAGATTA-CAAATTTATATT. GRCh37 (hg19) VCF-style: chr11-108126926-TGTGGTTTACTTTAAGATTA-CAAATTTATATT.
Other names: c.2125-16_2128del20insCAAATTTATATT (NM_000051.3); c.2125-16_2128delinsCAAATTTATATT (NM_001351834.2).
Identifiers: ClinVar variation 3148335 (VCV003148335.2), dbSNP rs2497354580, ClinGen allele CA2825001787.